The following is an entry in ClinVar:

ClinVar aggregate classification (germline): Likely benign (1 of 4 stars; one submission).

Allele frequency attached by ClinVar (database versions not stated): 1000 Genomes Project 30x 0.00016; 1000 Genomes Project 0.00020; ESP Exome Variant Server 0.00046; gnomAD 0.00056; ExAC 0.00062.

Submission:

CeGaT Center for Human Genetics Tuebingen
Classification: Likely benign. Last evaluated: 2022-08-01. Review status: criteria provided, single submitter. Criteria: CeGaT Center For Human Genetics Tuebingen Variant Classification Criteria Version 2. Collection method: clinical testing. Allele origin: germline. Affected: yes. Observed: 1 variant allele.
Comment: CHRNA7: BP4, BP7

NM_000746.6(CHRNA7):c.1119C>T (p.Ala373=)

Gene: CHRNA7 (cholinergic receptor nicotinic alpha 7 subunit). Cytogenetic location: 15q13.3.
Variant type: single nucleotide variant.
Coding change: c.1119C>T on transcript NM_000746.6 (MANE Select); coding-DNA position 1119, C replaced by T.
Protein change: p.Ala373=; no amino-acid change (alanine 373 retained).
Molecular consequence: synonymous variant. On other transcripts: non-coding transcript variant (1).
Genome position (GRCh38, 1-based): chr15:32,168,068, C>T. VCF-style: chr15-32168068-C-T. GRCh37 (hg19) VCF-style: chr15-32460269-C-T.
Other names: c.1206C>T, p.Ala402= (NM_001190455.3).
Identifiers: ClinVar variation 2645116 (VCV002645116.24), dbSNP rs150888391, ClinGen allele CA7454414.